The following is an entry in ClinVar:

ClinVar aggregate classification (germline): Likely pathogenic (1 of 4 stars; one submission).

Conditions:
Autosomal recessive limb-girdle muscular dystrophy type 2L (LGMDR12). Also called: MUSCULAR DYSTROPHY, LIMB-GIRDLE, AUTOSOMAL RECESSIVE 12; Limb-girdle muscular dystrophy, type 2L; Limb-Girdle Muscular Dystrophy R12 Anoctamin-5-Related (LGMD-R12). Identifiers: Orphanet 206549, MedGen C1969785, MONDO:0012652, OMIM 611307.
Gnathodiaphyseal dysplasia (GDD). Also called: GNATHODIAPHYSEAL SCLEROSIS; OSTEOGENESIS IMPERFECTA WITH UNUSUAL SKELETAL LESIONS. Identifiers: Orphanet 53697, MedGen C1833736, MONDO:0008151, OMIM 166260.

Allele frequency attached by ClinVar (database versions not stated): gnomAD exomes below 0.00001; ExAC 0.00001.

Submission:

Labcorp Genetics (formerly Invitae), Labcorp
Classification: Likely pathogenic for Autosomal recessive limb-girdle muscular dystrophy type 2L; Gnathodiaphyseal dysplasia. Last evaluated: 2018-07-25. Review status: criteria provided, single submitter. Criteria: Invitae Variant Classification Sherloc (09022015). Collection method: clinical testing. Allele origin: germline.
Comment: Donor and acceptor splice site variants typically lead to a loss of protein function (PMID: 16199547), and loss-of-function variants in ANO5 are known to be pathogenic (PMID: 21186264, 23606453, 25891276). In summary, the currently available evidence indicates that the variant is pathogenic, but additional data are needed to prove that conclusively. Therefore, this variant has been classified as Likely Pathogenic. Algorithms developed to predict the effect of sequence changes on RNA splicing suggest that this variant may disrupt the consensus splice site, but this prediction has not been confirmed by published transcriptional studies. This variant has been reported as compound heterozygous in an individual affected with limb-girdle muscular dystrophy (PMID: 22499103). This variant is present in population databases (rs780109230, ExAC 0.002%). This sequence change affects an acceptor splice site in intron 5 of the ANO5 gene. It is expected to disrupt RNA splicing and likely results in an absent or disrupted protein product.

Literature cited by the submitters: PubMed 16199547; PubMed 21186264; PubMed 23606453; PubMed 25891276; PubMed 22499103.

NM_213599.3(ANO5):c.295-1G>A

Gene: ANO5 (anoctamin 5; plus strand). Cytogenetic location: 11p14.3.
Variant type: single nucleotide variant.
Coding change: c.295-1G>A on transcript NM_213599.3 (MANE Select); the canonical splice acceptor site of the intron before coding-DNA position 295, G replaced by A.
Molecular consequence: splice acceptor variant.
Genome position (GRCh38, 1-based): chr11:22,225,983, G>A. VCF-style: chr11-22225983-G-A. GRCh37 (hg19) VCF-style: chr11-22247529-G-A.
Other names: c.253-1G>A (NM_001410963.1); c.292-1G>A (NM_001142649.2); c.250-1G>A (NM_001410964.1).
Identifiers: ClinVar variation 569608 (VCV000569608.10), dbSNP rs780109230, ClinGen allele CA5922880.